The following is an entry in ClinVar:

ClinVar aggregate classification (germline): Uncertain significance (1 of 4 stars; one submission).

Allele frequency attached by ClinVar (database versions not stated): gnomAD 0.00001; gnomAD exomes 0.00001; TOPMed 0.00001; ExAC 0.00005.

Submission:

Labcorp Genetics (formerly Invitae), Labcorp
Classification: Uncertain significance. Last evaluated: 2022-08-23. Review status: criteria provided, single submitter. Criteria: Invitae Variant Classification Sherloc (09022015). Collection method: clinical testing. Allele origin: germline.
Comment: In summary, the available evidence is currently insufficient to determine the role of this variant in disease. Therefore, it has been classified as a Variant of Uncertain Significance. Algorithms developed to predict the effect of missense changes on protein structure and function (SIFT, PolyPhen-2, Align-GVGD) all suggest that this variant is likely to be disruptive. ClinVar contains an entry for this variant (Variation ID: 1362808). This variant has not been reported in the literature in individuals affected with KISS1R-related conditions. The frequency data for this variant in the population databases is considered unreliable, as metrics indicate poor data quality at this position in the gnomAD database. This sequence change replaces alanine, which is neutral and non-polar, with glutamic acid, which is acidic and polar, at codon 159 of the KISS1R protein (p.Ala159Glu).

NM_032551.5(KISS1R):c.476C>A (p.Ala159Glu)

Gene: KISS1R (KISS1 receptor; plus strand). Cytogenetic location: 19p13.3.
Variant type: single nucleotide variant.
Coding change: c.476C>A on transcript NM_032551.5 (MANE Select); coding-DNA position 476, C replaced by A.
Protein change: p.Ala159Glu; replaces alanine 159 with glutamic acid.
Molecular consequence: missense variant.
Genome position (GRCh38, 1-based): chr19:919,596, C>A. VCF-style: chr19-919596-C-A. GRCh37 (hg19) VCF-style: chr19-919596-C-A.
Other names: short protein forms A159E.
Identifiers: ClinVar variation 1362808 (VCV001362808.6), dbSNP rs749285893, ClinGen allele CA9028781.